The following is an entry in ClinVar:

ClinVar aggregate classification (germline): Pathogenic (1 of 4 stars; one submission).

Conditions:
Polycystic kidney disease, adult type (PKD1). Also called: Polycystic Kidney, Autosomal Dominant; POLYCYSTIC KIDNEY DISEASE 1 WITH OR WITHOUT POLYCYSTIC LIVER DISEASE; POLYCYSTIC KIDNEY DISEASE, ADULT, TYPE I; Polycystic Kidney Disease 1, Autosomal Dominant; Polycystic kidney disease 1; Polycystic kidney disease 1, severe. Identifiers: MedGen C3149841, MONDO:0008263, OMIM 173900.

Submission:

Juno Genomics, Hangzhou Juno Genomics, Inc
Classification: Pathogenic for Polycystic kidney disease, adult type. Review status: criteria provided, single submitter. Criteria: ACMG Guidelines, 2015. Collection method: clinical testing. Allele origin: germline. Affected: yes.
Comment: Null variant in a gene where loss of function (LOF) is a known mechanism of disease.;Absent from controls (or at extremely low frequency if recessive) in Genome Aggregation Database, Exome Sequencing Project, 1000 Genomes Project, or Exome Aggregation Consortium.;Patient's phenotype or family history is highly specific for a disease with a single genetic etiology.

NM_001009944.3(PKD1):c.8201del (p.Pro2734fs)

Gene: PKD1 (polycystin 1, transient receptor potential channel interacting; minus strand). Cytogenetic location: 16p13.3.
Variant type: Deletion.
Coding change: c.8201del on transcript NM_001009944.3 (MANE Select); coding-DNA position 8201, one base deleted (C; older notation c.8201delC).
Protein change: p.Pro2734fs; shifts the reading frame from proline 2734.
Molecular consequence: frameshift variant.
Genome position (GRCh38, 1-based): chr16:2,103,856, G deleted on the plus strand (C on the coding strand, the reverse complement: PKD1 is on the minus strand); the first of 2 consecutive G bases (chr16:2,103,856-2,103,857); deleting either gives the same sequence. VCF-style (leftmost placement, unchanged base first): chr16-2103855-TG-T. GRCh37 (hg19) VCF-style: chr16-2153856-TG-T.
Other names: c.8201del, p.Pro2734fs (NM_000296.4); short protein forms P2734fs.
Identifiers: ClinVar variation 3335821 (VCV003335821.2).